The following is an entry in ClinVar:

NM_014991.6(WDFY3):c.2158C>T (p.Arg720Ter)

Genes: WDFY3 (WD repeat and FYVE domain containing 3; minus strand), WDFY3-AS1 (WDFY3 antisense RNA 1; plus strand). Cytogenetic location: 4q21.23.
Variant type: single nucleotide variant.
Coding change: c.2158C>T on transcript NM_014991.6 (MANE Select); coding-DNA position 2158, C replaced by T.
Protein change: p.Arg720Ter; replaces arginine 720 with a stop codon.
Molecular consequence: nonsense.
Genome position (GRCh38, 1-based): chr4:84,810,074, G>A on the plus strand (C>T on the coding strand, the complement: WDFY3 is on the minus strand). VCF-style: chr4-84810074-G-A. GRCh37 (hg19) VCF-style: chr4-85731227-G-A.
Other names: short protein forms R720*.
Identifiers: ClinVar variation 985990 (VCV000985990.5), dbSNP rs1752233376, ClinGen allele CA357568193.

ClinVar aggregate classification (germline): Pathogenic. Review status: criteria provided, multiple submitters, no conflicts (2 of 4 stars). 2 submissions from 2 submitters: Pathogenic (2). Last evaluated 2026-09-23.

Conditions:
Inborn genetic diseases. Identifiers: MedGen C0950123, MeSH D030342.

Submissions (2):

GeneDx
Classification: Pathogenic. Last evaluated: 2026-09-23. Review status: criteria provided, single submitter. Criteria: GeneDx Variant Classification Process June 2021. Collection method: clinical testing. Allele origin: germline.
Comment: Nonsense variant predicted to result in protein truncation or nonsense mediated decay in a gene for which loss of function is a known mechanism of disease; Not observed in large population cohorts (gnomAD); Has not been previously published as pathogenic or benign to our knowledge

Ambry Genetics
Classification: Pathogenic for Inborn genetic diseases. Last evaluated: 2018-01-29. Review status: criteria provided, single submitter. Criteria: Ambry exome assertion method (8-5-2015). Collection method: clinical testing. Allele origin: germline. Affected: yes. Observed: 1 variant allele.